The following is an entry in ClinVar:

ClinVar aggregate classification (germline): Benign (1 of 4 stars; one submission).

Allele frequency attached by ClinVar (database versions not stated): gnomAD exomes 0.55519; ExAC 0.58352; ESP Exome Variant Server 0.61164; gnomAD 0.61866; TOPMed 0.62498; 1000 Genomes Project 30x 0.69238; 1000 Genomes Project 0.69489.
gnomAD v4.1: 896,705 of 1,595,626 alleles (56%); highest among the groups gnomAD compares: East Asian, 87%; 257,223 homozygotes.

Submission:

Unidad de Genómica Garrahan, Hospital de Pediatría Garrahan
Classification: Benign. Last evaluated: 2023-11-12. Review status: criteria provided, single submitter. Criteria: ACMG Guidelines, 2015. Collection method: clinical testing. Allele origin: germline. Affected: no. Observed: 72 variant alleles.
Comment: This variant is classified as Benign based on local population frequency. This variant was detected in 75% of patients studied by a panel of primary immunodeficiencies. Number of patients: 72. Only high quality variants are reported.

NM_000234.3(LIG1):c.858-27A>G

Gene: LIG1 (DNA ligase 1; minus strand). Cytogenetic location: 19q13.33.
Variant type: single nucleotide variant.
Coding change: c.858-27A>G on transcript NM_000234.3 (MANE Select); 27 bases into the intron before coding-DNA position 858, A replaced by G.
Molecular consequence: intron variant.
Genome position (GRCh38, 1-based): chr19:48,143,626, T>C on the plus strand (A>G on the coding strand, the complement: LIG1 is on the minus strand). VCF-style: chr19-48143626-T-C. GRCh37 (hg19) VCF-style: chr19-48646883-T-C.
Other names: c.765-27A>G (NM_001289063.2); c.768-27A>G (NM_001320971.2); c.654-27A>G (NM_001289064.2); c.855-27A>G (NM_001320970.2).
Identifiers: ClinVar variation 2628119 (VCV002628119.2), dbSNP rs2288878, ClinGen allele CA9547077.